The following is an entry in ClinVar:

NM_001114753.3(ENG):c.425C>T (p.Pro142Leu)

Gene: ENG (endoglin; minus strand). Cytogenetic location: 9q34.11.
Variant type: single nucleotide variant.
Coding change: c.425C>T on transcript NM_001114753.3 (MANE Select); coding-DNA position 425, C replaced by T.
Protein change: p.Pro142Leu; replaces proline 142 with leucine.
Molecular consequence: missense variant. On other transcripts: 5 prime UTR variant (1).
Genome position (GRCh38, 1-based): chr9:127,826,608, G>A on the plus strand (C>T on the coding strand, the complement: ENG is on the minus strand). VCF-style: chr9-127826608-G-A. GRCh37 (hg19) VCF-style: chr9-130588887-G-A.
Other names: c.425C>T, p.Pro142Leu (NM_000118.4, NM_001406715.1); c.-122C>T (NM_001278138.2); short protein forms P142L.
Identifiers: ClinVar variation 4614116 (VCV004614116.1).
Genomic context (GRCh38, chr9:127,826,608, plus strand): 5'-AGCTCAGCAGCAGAGGTGATGGGGCCCCTCTCAGCTGCCCACTCAAGGATCTGGGTCTTG[G>A]GGAAGGATGGCAGCTCTGTGGTGTTGACCCCCGGGGGCTCTTGGAAGGTGACCAGGCTGG-3'
Protein context (NP_001108225.1, residues 132-152): GVNTTELPSF[Pro142Leu]KTQILEWAAE

ClinVar aggregate classification (germline): Uncertain significance (1 of 4 stars; one submission).

Conditions:
Cardiovascular phenotype. Identifiers: MedGen CN230736.

Submission:

Ambry Genetics
Classification: Uncertain significance for Cardiovascular phenotype. Last evaluated: 2025-12-14. Review status: criteria provided, single submitter. Criteria: Ambry Variant Classification Scheme 2023. Collection method: clinical testing. Allele origin: germline.
Comment: The p.P142L variant (also known as c.425C>T), located in coding exon 4 of the ENG gene, results from a C to T substitution at nucleotide position 425. The proline at codon 142 is replaced by leucine, an amino acid with similar properties. This amino acid position is conserved. In addition, this alteration is predicted to be tolerated by in silico analysis. Based on the available evidence, the clinical significance of this variant remains unclear.